The following is an entry in ClinVar:

NM_015512.5(DNAH1):c.10562A>G (p.His3521Arg)

Gene: DNAH1 (dynein axonemal heavy chain 1; plus strand). Cytogenetic location: 3p21.1.
Variant type: single nucleotide variant.
Coding change: c.10562A>G on transcript NM_015512.5 (MANE Select); coding-DNA position 10562, A replaced by G.
Protein change: p.His3521Arg; replaces histidine 3521 with arginine.
Molecular consequence: missense variant.
Genome position (GRCh38, 1-based): chr3:52,393,421, A>G. VCF-style: chr3-52393421-A-G. GRCh37 (hg19) VCF-style: chr3-52427437-A-G.
Other names: short protein forms H3521R.
Identifiers: ClinVar variation 664434 (VCV000664434.6), dbSNP rs370864402, ClinGen allele CA2435879.

ClinVar aggregate classification (germline): Uncertain significance. Review status: criteria provided, multiple submitters, no conflicts (2 of 4 stars). 2 submissions from 2 submitters: Uncertain significance (2). Last evaluated 2025-06-18.

Conditions:
Spermatogenic failure 18. Identifiers: MedGen C4539783, MONDO:0054615, OMIM 617576.
Ciliary dyskinesia, primary, 37 (CILD37). Also called: CILIARY DYSKINESIA, PRIMARY, 37, WITH OR WITHOUT SITUS INVERSUS. Identifiers: MedGen C4539798, MONDO:0033204, OMIM 617577.

Allele frequency attached by ClinVar (database versions not stated): gnomAD exomes 0.00005 and 0.00033; TOPMed 0.00005; gnomAD 0.00003; ExAC 0.00004; ESP Exome Variant Server 0.00008.
gnomAD v4.1: 472 of 1,613,940 alleles (0.029%); highest among the groups gnomAD compares: Non-Finnish European, 0.039%; no homozygotes.

Submissions (2):

Ambry Genetics
Classification: Uncertain significance. Last evaluated: 2025-06-18. Review status: criteria provided, single submitter. Criteria: Ambry Variant Classification Scheme 2023. Collection method: clinical testing. Allele origin: germline.

Labcorp Genetics (formerly Invitae), Labcorp
Classification: Uncertain significance for Ciliary dyskinesia, primary, 37; Spermatogenic failure 18. Last evaluated: 2022-07-03. Review status: criteria provided, single submitter. Criteria: Invitae Variant Classification Sherloc (09022015). Collection method: clinical testing. Allele origin: germline.
Comment: This sequence change replaces histidine, which is basic and polar, with arginine, which is basic and polar, at codon 3521 of the DNAH1 protein (p.His3521Arg). This variant is present in population databases (rs370864402, gnomAD 0.008%). This variant has not been reported in the literature in individuals affected with DNAH1-related conditions. ClinVar contains an entry for this variant (Variation ID: 664434). Algorithms developed to predict the effect of missense changes on protein structure and function are either unavailable or do not agree on the potential impact of this missense change (SIFT: "Deleterious"; PolyPhen-2: "Probably Damaging"; Align-GVGD: "Class C0"). In summary, the available evidence is currently insufficient to determine the role of this variant in disease. Therefore, it has been classified as a Variant of Uncertain Significance.